The following is an entry in ClinVar:

ClinVar aggregate classification (germline): Uncertain significance (1 of 4 stars; one submission).

Submission:

Laboratory for Molecular Medicine, Mass General Brigham Personalized Medicine
Classification: Uncertain significance. Last evaluated: 2020-01-22. Review status: criteria provided, single submitter. Criteria: LMM Criteria. Collection method: clinical testing. Allele origin: germline. Observed: 1 variant allele.
Comment: The p.Thr205Pro variant in TMPRSS3 has not been previously reported in individuals with hearing loss and was absent from large population studies. Computational prediction tools and conservation analysis suggest that this variant may not impact the protein, though this information is not predictive enough to rule out pathogenicity. In summary, the clinical significance of this variant is uncertain. ACMG/AMP Criteria applied: PM2, BP4.

NM_001256317.3(TMPRSS3):c.613A>C (p.Thr205Pro)

Gene: TMPRSS3 (transmembrane serine protease 3; minus strand). Cytogenetic location: 21q22.3.
Variant type: single nucleotide variant.
Coding change: c.613A>C on transcript NM_001256317.3 (MANE Select); coding-DNA position 613, A replaced by C.
Protein change: p.Thr205Pro; replaces threonine 205 with proline.
Molecular consequence: missense variant.
Genome position (GRCh38, 1-based): chr21:42,383,973, T>G on the plus strand (A>C on the coding strand, the complement: TMPRSS3 is on the minus strand). VCF-style: chr21-42383973-T-G. GRCh37 (hg19) VCF-style: chr21-43804082-T-G.
Other names: c.613A>C, p.Thr205Pro (NM_024022.4, NM_032405.2); c.232A>C, p.Thr78Pro (NM_032404.3); short protein forms T205P, T78P.
Identifiers: ClinVar variation 930103 (VCV000930103.4), dbSNP rs1175336303, ClinGen allele CA410374106.